The following is an entry in ClinVar:

ClinVar aggregate classification (germline): Uncertain significance (1 of 4 stars; one submission).

Conditions:
Giant axonal neuropathy 1 (GAN1). Also called: GIANT AXONAL NEUROPATHY 1, AUTOSOMAL RECESSIVE; GAN-Related Neurodegeneration. Identifiers: Orphanet 643, MedGen C1850386, MONDO:0009749, OMIM 256850.

Allele frequency attached by ClinVar (database versions not stated): TOPMed below 0.00001; gnomAD 0.00001.
gnomAD v4.1: 4 of 1,613,990 alleles (0.00025%); highest among the groups gnomAD compares: Non-Finnish European, 0.00034%; no homozygotes.

Submission:

Labcorp Genetics (formerly Invitae), Labcorp
Classification: Uncertain significance for Giant axonal neuropathy 1. Last evaluated: 2022-03-08. Review status: criteria provided, single submitter. Criteria: Invitae Variant Classification Sherloc (09022015). Collection method: clinical testing. Allele origin: germline.
Comment: This variant has not been reported in the literature in individuals affected with GAN-related conditions. This sequence change replaces histidine, which is basic and polar, with arginine, which is basic and polar, at codon 143 of the GAN protein (p.His143Arg). This variant is present in population databases (no rsID available, gnomAD 0.007%). Algorithms developed to predict the effect of missense changes on protein structure and function (SIFT, PolyPhen-2, Align-GVGD) all suggest that this variant is likely to be tolerated. In summary, the available evidence is currently insufficient to determine the role of this variant in disease. Therefore, it has been classified as a Variant of Uncertain Significance.

NM_022041.4(GAN):c.428A>G (p.His143Arg)

Gene: GAN (gigaxonin; plus strand). Cytogenetic location: 16q23.2.
Variant type: single nucleotide variant.
Coding change: c.428A>G on transcript NM_022041.4 (MANE Select); coding-DNA position 428, A replaced by G.
Protein change: p.His143Arg; replaces histidine 143 with arginine.
Molecular consequence: missense variant. On other transcripts: 5 prime UTR variant (1).
Genome position (GRCh38, 1-based): chr16:81,354,550, A>G. VCF-style: chr16-81354550-A-G. GRCh37 (hg19) VCF-style: chr16-81388155-A-G.
Other names: c.-212A>G (NM_001377486.1); short protein forms H143R.
Identifiers: ClinVar variation 1389061 (VCV001389061.8), dbSNP rs1330501647, ClinGen allele CA396868278.